The following is an entry in ClinVar:

NM_170606.3(KMT2C):c.13234_13245del (p.Leu4412_Gly4415del)

Gene: KMT2C (lysine methyltransferase 2C; minus strand). Cytogenetic location: 7q36.1.
Variant type: Deletion.
Coding change: c.13234_13245del on transcript NM_170606.3 (MANE Select); coding-DNA positions 13234 to 13245, 12 bases deleted (TTGACAGATGGA).
Protein change: p.Leu4412_Gly4415del.
Genome position (GRCh38, 1-based): chr7:152,148,682-152,148,693, TCCATCTGTCAA deleted on the plus strand (TTGACAGATGGA on the coding strand, the reverse complement: KMT2C is on the minus strand); deleting any 12 consecutive bases within chr7:152,148,682-152,148,699 gives the same sequence; the c. name uses the placement nearest the transcript's 3' end. VCF-style (leftmost placement, unchanged base first): chr7-152148681-GTCCATCTGTCAA-G. GRCh37 (hg19) VCF-style: chr7-151845766-GTCCATCTGTCAA-G.
Identifiers: ClinVar variation 4539927 (VCV004539927.1).

ClinVar aggregate classification (germline): Uncertain significance (1 of 4 stars; one submission).

Submission:

GeneDx
Classification: Uncertain significance. Last evaluated: 2025-06-26. Review status: criteria provided, single submitter. Criteria: GeneDx Variant Classification Process June 2021. Collection method: clinical testing. Allele origin: germline. Affected: yes.
Comment: In-frame deletion of 4 amino acids in a non-repeat region; Not observed at significant frequency in large population cohorts (gnomAD); In silico analysis supports a deleterious effect on protein structure/function; Has not been previously published as pathogenic or benign to our knowledge